The following is an entry in ClinVar:

NM_004385.5(VCAN):c.4801G>T (p.Val1601Phe)

Genes: VCAN (versican; plus strand), VCAN-AS1 (VCAN antisense RNA 1; minus strand). Cytogenetic location: 5q14.3.
Variant type: single nucleotide variant.
Coding change: c.4801G>T on transcript NM_004385.5 (MANE Select); coding-DNA position 4801, G replaced by T.
Protein change: p.Val1601Phe; replaces valine 1601 with phenylalanine.
Molecular consequence: missense variant. On other transcripts: intron variant (2).
Genome position (GRCh38, 1-based): chr5:83,537,804, G>T. VCF-style: chr5-83537804-G-T. GRCh37 (hg19) VCF-style: chr5-82833623-G-T.
Other names: c.1840G>T, p.Val614Phe (NM_001164097.2); c.4004-7733G>T (NM_001164098.2); c.1043-7733G>T (NM_001126336.3); c.4801G>T (NM_004385.4); short protein forms V1601F, V614F.
Identifiers: ClinVar variation 2869746 (VCV002869746.4), dbSNP rs1456341938, ClinGen allele CA360309031.

ClinVar aggregate classification (germline): Uncertain significance. Review status: criteria provided, multiple submitters, no conflicts (2 of 4 stars). 2 submissions from 2 submitters: Uncertain significance (2). Last evaluated 2025-03-27.

Conditions:
Inborn genetic diseases. Identifiers: MedGen C0950123, MeSH D030342.

Allele frequency attached by ClinVar (database versions not stated): gnomAD exomes below 0.00001; gnomAD 0.00001.
gnomAD v4.1: 6 of 1,613,904 alleles (0.00037%); highest among the groups gnomAD compares: African/African-American, 0.0053%; no homozygotes.

Submissions (2):

Ambry Genetics
Classification: Uncertain significance for Inborn genetic diseases. Last evaluated: 2025-03-27. Review status: criteria provided, single submitter. Criteria: Ambry Variant Classification Scheme 2023. Collection method: clinical testing. Allele origin: germline.

Labcorp Genetics (formerly Invitae), Labcorp
Classification: Uncertain significance. Last evaluated: 2023-07-03. Review status: criteria provided, single submitter. Criteria: Invitae Variant Classification Sherloc (09022015). Collection method: clinical testing. Allele origin: germline.
Comment: In summary, the available evidence is currently insufficient to determine the role of this variant in disease. Therefore, it has been classified as a Variant of Uncertain Significance. Algorithms developed to predict the effect of missense changes on protein structure and function output the following: SIFT: "Not Available"; PolyPhen-2: "Benign"; Align-GVGD: "Not Available". The phenylalanine amino acid residue is found in multiple mammalian species, which suggests that this missense change does not adversely affect protein function. This variant has not been reported in the literature in individuals affected with VCAN-related conditions. This variant is not present in population databases (gnomAD no frequency). This sequence change replaces valine, which is neutral and non-polar, with phenylalanine, which is neutral and non-polar, at codon 1601 of the VCAN protein (p.Val1601Phe).